The following is an entry in ClinVar:

NM_000059.4(BRCA2):c.9751A>G (p.Lys3251Glu)

Gene: BRCA2 (BRCA2 DNA repair associated; plus strand). Cytogenetic location: 13q13.1.
Variant type: single nucleotide variant.
Coding change: c.9751A>G on transcript NM_000059.4 (MANE Select); coding-DNA position 9751, A replaced by G.
Protein change: p.Lys3251Glu; replaces lysine 3251 with glutamic acid.
Molecular consequence: missense variant.
Genome position (GRCh38, 1-based): chr13:32,398,264, A>G. VCF-style: chr13-32398264-A-G. GRCh37 (hg19) VCF-style: chr13-32972401-A-G.
Other names: short protein forms K3251E.
Identifiers: ClinVar variation 823450 (VCV000823450.7), dbSNP rs1466044420, ClinGen allele CA387765689.

ClinVar aggregate classification (germline): Uncertain significance. Review status: criteria provided, multiple submitters, no conflicts (2 of 4 stars). 2 submissions from 2 submitters: Uncertain significance (2). Last evaluated 2025-11-15.

Conditions:
Hereditary cancer-predisposing syndrome. Also called: Tumor predisposition; Hereditary Cancer Syndrome; Neoplastic Syndromes, Hereditary; Hereditary neoplastic syndrome. Identifiers: Orphanet 140162, MedGen C0027672, MeSH D009386, MONDO:0015356.

Allele frequency attached by ClinVar (database versions not stated): gnomAD exomes below 0.00001.
gnomAD v4.1: 1 of 1,614,192 alleles (0.000062%); no homozygotes.

Submissions (2):

Ambry Genetics
Classification: Uncertain significance for Hereditary cancer-predisposing syndrome. Last evaluated: 2025-11-15. Review status: criteria provided, single submitter. Criteria: Ambry Variant Classification Scheme 2023. Collection method: clinical testing. Allele origin: germline.
Comment: The p.K3251E variant (also known as c.9751A>G), located in coding exon 26 of the BRCA2 gene, results from an A to G substitution at nucleotide position 9751. The lysine at codon 3251 is replaced by glutamic acid, an amino acid with similar properties. This amino acid position is not well conserved in available vertebrate species. In addition, this alteration is predicted to be tolerated by in silico analysis. Since supporting evidence is limited at this time, the clinical significance of this alteration remains unclear.

Color Diagnostics, LLC DBA Color Health
Classification: Uncertain significance for Hereditary cancer-predisposing syndrome. Last evaluated: 2020-09-08. Review status: criteria provided, single submitter. Criteria: ACMG Guidelines, 2015. Collection method: clinical testing. Allele origin: germline.
Comment: This missense variant replaces lysine with glutamic acid at codon 3251 of the BRCA2 protein. Computational prediction suggests that this variant may not impact protein structure and function (internally defined REVEL score threshold <= 0.5, PMID: 27666373). To our knowledge, functional studies have not been reported for this variant. This variant has not been reported in individuals affected with hereditary cancer in the literature. This variant has been identified in 1/251360 chromosomes in the general population by the Genome Aggregation Database (gnomAD). The available evidence is insufficient to determine the role of this variant in disease conclusively. Therefore, this variant is classified as a Variant of Uncertain Significance.